The following is an entry in ClinVar:

NM_015909.4(NBAS):c.2822G>A (p.Arg941His)

Gene: NBAS (NBAS subunit of NRZ tethering complex; minus strand). Cytogenetic location: 2p24.3.
Variant type: single nucleotide variant.
Coding change: c.2822G>A on transcript NM_015909.4 (MANE Select); coding-DNA position 2822, G replaced by A.
Protein change: p.Arg941His; replaces arginine 941 with histidine.
Molecular consequence: missense variant. On other transcripts: non-coding transcript variant (1).
Genome position (GRCh38, 1-based): chr2:15,415,661, C>T on the plus strand (G>A on the coding strand, the complement: NBAS is on the minus strand). VCF-style: chr2-15415661-C-T. GRCh37 (hg19) VCF-style: chr2-15555785-C-T.
Other names: short protein forms R941H.
Identifiers: ClinVar variation 2083331 (VCV002083331.4), dbSNP rs781766556, ClinGen allele CA1536243.
Genomic context (GRCh38, chr2:15,415,661, plus strand): 5'-AAAGTTACTAAATATTCTTTTAATAGCTCATTAGCCACACCAGGCGACTGTTTCTCACAA[C>T]GATGAAGAAAGGGAACCATCCACTGGTAGGCACTTGTCACATATTTATCCTCAGAACACT-3'
Protein context (NP_056993.2, residues 931-951): AYQWMVPFLH[Arg941His]CEKQSPGVAN

ClinVar aggregate classification (germline): Uncertain significance. Review status: criteria provided, multiple submitters, no conflicts (2 of 4 stars). 2 submissions from 2 submitters: Uncertain significance (2). Last evaluated 2025-12-17.

Allele frequency attached by ClinVar (database versions not stated): gnomAD exomes below 0.00001; TOPMed 0.00001; ExAC 0.00002.
gnomAD v4.1: 4 of 1,614,098 alleles (0.00025%); highest among the groups gnomAD compares: Non-Finnish European, 0.00034%; no homozygotes.

Submissions (2):

Women's Health and Genetics/Laboratory Corporation of America, LabCorp
Classification: Uncertain significance. Last evaluated: 2025-12-17. Review status: criteria provided, single submitter. Criteria: LabCorp Variant Classification Summary - May 2015. Collection method: clinical testing. Allele origin: germline.
Comment: Variant summary: NBAS c.2822G>A (p.Arg941His) results in a non-conservative amino acid change in the encoded protein sequence. Algorithms developed to predict the effect of missense changes on protein structure and function are either unavailable or do not agree on the potential impact of this missense change. The variant allele was found at a frequency of 8e-06 in 251400 control chromosomes (gnomAD). c.2822G>A has been observed in individuals affected with recurrent acute liver failure (Chavany_2020, Li_2020). These data indicate that the variant may be associated with disease. To our knowledge, no experimental evidence demonstrating an impact on protein function has been reported. The following publications have been ascertained in the context of this evaluation (PMID: 32146038, 32812336). ClinVar contains an entry for this variant (Variation ID: 2083331). Based on the evidence outlined above, the variant was classified as VUS-possibly pathogenic.

Labcorp Genetics (formerly Invitae), Labcorp
Classification: Uncertain significance. Last evaluated: 2025-06-16. Review status: criteria provided, single submitter. Criteria: Invitae Variant Classification Sherloc (09022015). Collection method: clinical testing. Allele origin: germline.
Comment: This sequence change replaces arginine, which is basic and polar, with histidine, which is basic and polar, at codon 941 of the NBAS protein (p.Arg941His). This variant is present in population databases (rs781766556, gnomAD 0.0009%). This missense change has been observed in individual(s) with hepatic insufficiency and stenosis (PMID: 32146038, 32812336). ClinVar contains an entry for this variant (Variation ID: 2083331). Invitae Evidence Modeling of protein sequence and biophysical properties (such as structural, functional, and spatial information, amino acid conservation, physicochemical variation, residue mobility, and thermodynamic stability) has been performed for this missense variant. However, the output from this modeling did not meet the statistical confidence thresholds required to predict the impact of this variant on NBAS protein function. In summary, the available evidence is currently insufficient to determine the role of this variant in disease. Therefore, it has been classified as a Variant of Uncertain Significance.

Literature cited by the submitters: PubMed 32812336 (cited by Women's Health and Genetics/Laboratory Corporation of America, LabCorp and Labcorp Genetics (formerly Invitae), Labcorp); PubMed 32146038 (cited by Women's Health and Genetics/Laboratory Corporation of America, LabCorp and Labcorp Genetics (formerly Invitae), Labcorp).